The following is an entry in ClinVar:

NM_001206927.2(DNAH8):c.12399G>A (p.Met4133Ile)

Genes: DNAH8 (dynein axonemal heavy chain 8; plus strand), DNAH8-AS1 (DNAH8 antisense RNA 1; minus strand). Cytogenetic location: 6p21.2.
Variant type: single nucleotide variant.
Coding change: c.12399G>A on transcript NM_001206927.2 (MANE Select); coding-DNA position 12399, G replaced by A.
Protein change: p.Met4133Ile; replaces methionine 4133 with isoleucine.
Molecular consequence: missense variant.
Genome position (GRCh38, 1-based): chr6:38,951,468, G>A. VCF-style: chr6-38951468-G-A. GRCh37 (hg19) VCF-style: chr6-38919244-G-A.
Other names: c.11748G>A, p.Met3916Ile (NM_001371.4); short protein forms M3916I, M4133I.
Identifiers: ClinVar variation 4798306 (VCV004798306.1).

ClinVar aggregate classification (germline): Uncertain significance (1 of 4 stars; one submission).

Conditions:
Primary ciliary dyskinesia. Also called: Ciliary dyskinesia. Identifiers: Orphanet 244, MedGen C0008780, MONDO:0016575, HP:0012265.

gnomAD v4.1: 15 of 1,613,996 alleles (0.00093%); highest among the groups gnomAD compares: Non-Finnish European, 0.0013%; no homozygotes.

Submission:

Labcorp Genetics (formerly Invitae), Labcorp
Classification: Uncertain significance for Primary ciliary dyskinesia. Last evaluated: 2025-08-29. Review status: criteria provided, single submitter. Criteria: Invitae Variant Classification Sherloc (09022015). Collection method: clinical testing. Allele origin: germline.
Comment: This sequence change replaces methionine, which is neutral and non-polar, with isoleucine, which is neutral and non-polar, at codon 4133 of the DNAH8 protein (p.Met4133Ile). This variant is present in population databases (rs746058279, gnomAD 0.002%). This variant has not been reported in the literature in individuals affected with DNAH8-related conditions. Invitae Evidence Modeling of protein sequence and biophysical properties (such as structural, functional, and spatial information, amino acid conservation, physicochemical variation, residue mobility, and thermodynamic stability) indicates that this missense variant is not expected to disrupt DNAH8 protein function with a negative predictive value of 80%. In summary, the available evidence is currently insufficient to determine the role of this variant in disease. Therefore, it has been classified as a Variant of Uncertain Significance.